The following is an entry in ClinVar:

ClinVar aggregate classification (germline): Likely benign (1 of 4 stars; one submission).

Conditions:
Microcephaly, progressive, with simplified gyral pattern and cerebellar hypoplasia. Identifiers: MedGen C6024735, MONDO:0980935, OMIM 621436.

gnomAD v4.1: 663 of 1,608,614 alleles (0.041%); highest among the groups gnomAD compares: African/African-American, 0.73%; 1 homozygote.

Submission:

Centre for Medical Genetics,  Mumbai
Classification: Likely benign for Microcephaly, progressive, with simplified gyral pattern and cerebellar hypoplasia. Last evaluated: 2026-03-12. Review status: criteria provided, single submitter. Criteria: ACMG Guidelines, 2015. Collection method: provider interpretation. Allele origin: germline. Inheritance: Autosomal dominant inheritance. Affected: no. Observed: 1 variant allele, 1 heterozygote.
Comment: The variant satisfies PM2 criteria; Extremely low frequency in gnomAD population databases. However, the variant satisfies BS2 criteria.

Literature cited by the submitters: PubMed 40857589.

NM_001278628.2(CRNKL1):c.51+2T>C

Gene: CRNKL1 (crooked neck pre-mRNA splicing factor 1; minus strand). Cytogenetic location: 20p11.23.
Variant type: single nucleotide variant.
Coding change: c.51+2T>C on transcript NM_001278628.2 (MANE Select); the canonical splice donor site of the intron after coding-DNA position 51, T replaced by C.
Molecular consequence: splice donor variant. On other transcripts: intron variant (2).
Genome position (GRCh38, 1-based): chr20:20,052,290, A>G on the plus strand (T>C on the coding strand, the complement: CRNKL1 is on the minus strand). VCF-style: chr20-20052290-A-G. GRCh37 (hg19) VCF-style: chr20-20032934-A-G.
Other names: c.-319+185T>C (NM_001278627.2); c.-319+189T>C (NM_001278626.2); c.498+2T>C (NM_001278625.2); c.534+2T>C (NM_016652.6).
Identifiers: ClinVar variation 4819442 (VCV004819442.1).